The following is an entry in ClinVar:

ClinVar aggregate classification (germline): Benign/Likely benign. Review status: criteria provided, multiple submitters, no conflicts (2 of 4 stars). 5 submissions from 5 submitters: Benign (4); Likely benign (1). Last evaluated 2026-01-04.

Conditions:
Isolated Nonsyndromic Congenital Heart Disease.
Alagille syndrome due to a JAG1 point mutation. Also called: HEPATIC DUCTULAR HYPOPLASIA, SYNDROMATIC; JAG1-Related Alagille Syndrome; Alagille Syndrome 1. Identifiers: Orphanet 261619, Orphanet 52, MedGen C1956125, MONDO:0016862, OMIM 118450.

Allele frequency attached by ClinVar (database versions not stated): ESP Exome Variant Server 0.00023; TOPMed 0.00051; gnomAD 0.00076 and 0.00094; gnomAD exomes 0.00092 and 0.00153; ExAC 0.00143; 1000 Genomes Project 30x 0.00187; 1000 Genomes Project 0.00240.

Submissions (7):

Labcorp Genetics (formerly Invitae), Labcorp
Classification: Benign for Alagille syndrome due to a JAG1 point mutation. Last evaluated: 2026-01-04. Review status: criteria provided, single submitter. Criteria: Invitae Variant Classification Sherloc (09022015). Collection method: clinical testing. Allele origin: germline.

Blueprint Genetics
Classification: Likely benign. Last evaluated: 2024-09-06. Review status: criteria provided, single submitter. Criteria: ACMG Guidelines, 2015. Collection method: clinical testing. Allele origin: germline.

Women's Health and Genetics/Laboratory Corporation of America, LabCorp
Classification: Benign. Last evaluated: 2023-08-19. Review status: criteria provided, single submitter. Criteria: LabCorp Variant Classification Summary - May 2015. Collection method: clinical testing. Allele origin: germline.

Illumina Laboratory Services, Illumina
Classification: Benign for Isolated Nonsyndromic Congenital Heart Disease. Last evaluated: 2018-01-12. Review status: criteria provided, single submitter. Criteria: ICSL Variant Classification Criteria 13 December 2019. Collection method: clinical testing. Allele origin: germline.
Comment: This variant was observed in the ICSL laboratory as part of a predisposition screen in an ostensibly healthy population. It had not been previously curated by ICSL or reported in the Human Gene Mutation Database (HGMD: prior to June 1st, 2018), and was therefore a candidate for classification through an automated scoring system. Utilizing variant allele frequency, disease prevalence and penetrance estimates, and inheritance mode, an automated score was calculated to assess if this variant is too frequent to cause the disease. Based on the score and internal cut-off values, a variant classified as benign is not then subjected to further curation. The score for this variant resulted in a classification of benign for this disease.

PreventionGenetics, part of Exact Sciences
Classification: Benign. Review status: criteria provided, single submitter. Criteria: ACMG Guidelines, 2015. Collection method: clinical testing. Allele origin: germline.

Dr. Peter K. Rogan Lab, Western University
No classification provided (evidence only). Condition: Gastric cancer. Review status: no classification provided. Collection method: in vitro. Allele origin: not applicable. Functional consequence: retained intron. Not counted in ClinVar's aggregate classification.

Dr. Peter K. Rogan Lab, Western University
No classification provided (evidence only). Condition: Gastric cancer. Review status: no classification provided. Collection method: in vitro. Allele origin: not applicable. Functional consequence: retained intron. Not counted in ClinVar's aggregate classification.

NM_000214.3(JAG1):c.1349-11T>G

Gene: JAG1 (jagged canonical Notch ligand 1; minus strand). Cytogenetic location: 20p12.2.
Variant type: single nucleotide variant.
Coding change: c.1349-11T>G on transcript NM_000214.3 (MANE Select); 11 bases into the intron before coding-DNA position 1349, T replaced by G.
Molecular consequence: intron variant.
Genome position (GRCh38, 1-based): chr20:10,649,118, A>C on the plus strand (T>G on the coding strand, the complement: JAG1 is on the minus strand). VCF-style: chr20-10649118-A-C. GRCh37 (hg19) VCF-style: chr20-10629766-A-C.
Other names: c.1349-11T>G (LRG_1191t1).
Identifiers: ClinVar variation 255547 (VCV000255547.17), dbSNP rs80338240, ClinGen allele CA9764897.
Genomic context (GRCh38, chr20:10,649,118, plus strand): 5'-TACCCGACAGGAGGCGTCATTCTGACACTGGCCAAGGCAGTCATTAATATCTAAAAAATA[A>C]ATAAGTCATCATTTTAAAGAGGTAATTTACAGTGAAATTGGGCTTAATTGAAAAGCCTTC-3'